The following is an entry in ClinVar:

ClinVar aggregate classification (germline): Uncertain significance. Review status: criteria provided, multiple submitters, no conflicts (2 of 4 stars). 2 submissions from 2 submitters: Uncertain significance (2). Last evaluated 2022-08-27.

Conditions:
Amyotrophic lateral sclerosis type 1 (ALS1). Also called: AMYOTROPHIC LATERAL SCLEROSIS 1, FAMILIAL. Identifiers: Orphanet 803, MedGen C1862939, MONDO:0007103, OMIM 105400.
Neuronopathy, distal hereditary motor, type 7B. Also called: HMN VIIB; LOWER MOTOR NEURON DISEASE, DYNACTIN TYPE; NEURONOPATHY, DISTAL HEREDITARY MOTOR, AUTOSOMAL DOMINANT 14; NEURONOPATHY, DISTAL HEREDITARY MOTOR, HARDING TYPE VIIB; NEUROPATHY, DISTAL HEREDITARY MOTOR, HARDING TYPE VIIB; NEUROPATHY, DISTAL HEREDITARY MOTOR, WITH VOCAL CORD PARALYSIS, HARDING TYPE VIIB. Identifiers: Orphanet 139589, MedGen C1843315, MONDO:0011879, OMIM 607641.
Perry syndrome. Also called: PARKINSONISM WITH ALVEOLAR HYPOVENTILATION AND MENTAL DEPRESSION. Identifiers: Orphanet 178509, MedGen C1868594, MONDO:0008201, OMIM 168605.
Inborn genetic diseases. Identifiers: MedGen C0950123, MeSH D030342.

Allele frequency attached by ClinVar (database versions not stated): ExAC 0.00001; gnomAD 0.00001; ESP Exome Variant Server 0.00008; 1000 Genomes Project 30x 0.00016; 1000 Genomes Project 0.00020.
gnomAD v4.1: 9 of 1,611,272 alleles (0.00056%); highest among the groups gnomAD compares: African/African-American, 0.0027%; no homozygotes.

Submissions (2):

Labcorp Genetics (formerly Invitae), Labcorp
Classification: Uncertain significance for Amyotrophic lateral sclerosis type 1; Neuronopathy, distal hereditary motor, type 7B; Perry syndrome. Last evaluated: 2022-08-27. Review status: criteria provided, single submitter. Criteria: Invitae Variant Classification Sherloc (09022015). Collection method: clinical testing. Allele origin: germline.
Comment: In summary, the available evidence is currently insufficient to determine the role of this variant in disease. Therefore, it has been classified as a Variant of Uncertain Significance. Algorithms developed to predict the effect of missense changes on protein structure and function are either unavailable or do not agree on the potential impact of this missense change (SIFT: "Deleterious"; PolyPhen-2: "Benign"; Align-GVGD: "Class C35"). This variant has not been reported in the literature in individuals affected with DCTN1-related conditions. This variant is present in population databases (rs201095249, gnomAD 0.0009%). This sequence change replaces arginine, which is basic and polar, with glutamine, which is neutral and polar, at codon 639 of the DCTN1 protein (p.Arg639Gln).

Ambry Genetics
Classification: Uncertain significance for Inborn genetic diseases. Last evaluated: 2021-10-16. Review status: criteria provided, single submitter. Criteria: Ambry Variant Classification Scheme 2023. Collection method: clinical testing. Allele origin: germline.
Comment: The p.R639Q variant (also known as c.1916G>A), located in coding exon 17 of the DCTN1 gene, results from a G to A substitution at nucleotide position 1916. The arginine at codon 639 is replaced by glutamine, an amino acid with highly similar properties. This amino acid position is conserved. In addition, the in silico prediction for this alteration is inconclusive. Since supporting evidence is limited at this time, the clinical significance of this alteration remains unclear.

NM_004082.5(DCTN1):c.1916G>A (p.Arg639Gln)

Gene: DCTN1 (dynactin subunit 1; minus strand). Cytogenetic location: 2p13.1.
Variant type: single nucleotide variant.
Coding change: c.1916G>A on transcript NM_004082.5 (MANE Select); coding-DNA position 1916, G replaced by A.
Protein change: p.Arg639Gln; replaces arginine 639 with glutamine.
Molecular consequence: missense variant. On other transcripts: non-coding transcript variant (1).
Genome position (GRCh38, 1-based): chr2:74,368,070, C>T on the plus strand (G>A on the coding strand, the complement: DCTN1 is on the minus strand). VCF-style: chr2-74368070-C-T. GRCh37 (hg19) VCF-style: chr2-74595197-C-T.
Other names: c.1856G>A, p.Arg619Gln (NM_001135040.3); c.1514G>A, p.Arg505Gln (NM_001135041.3, NM_023019.4); c.1805G>A, p.Arg602Gln (NM_001190836.2); c.1895G>A, p.Arg632Gln (NM_001190837.2); c.1865G>A, p.Arg622Gln (NM_001378991.1); c.1847G>A, p.Arg616Gln (NM_001378992.1); short protein forms R505Q, R602Q, R622Q, R632Q, R616Q, R619Q, R639Q.
Identifiers: ClinVar variation 1782589 (VCV001782589.7), dbSNP rs201095249, ClinGen allele CA1722002.